The following is an entry in ClinVar:

ClinVar aggregate classification (germline): Benign/Likely benign. Review status: criteria provided, multiple submitters, no conflicts (2 of 4 stars). 9 submissions from 8 submitters: Benign (4); Likely benign (5). Last evaluated 2026-01-19.

Conditions:
Amyotrophic lateral sclerosis type 4 (ALS4). Also called: NEURONOPATHY, DISTAL HEREDITARY MOTOR, WITH PYRAMIDAL FEATURES; AMYOTROPHIC LATERAL SCLEROSIS 4, JUVENILE. Identifiers: Orphanet 357043, MedGen C1865409, MONDO:0011223, OMIM 602433.
Spinocerebellar ataxia, autosomal recessive, with axonal neuropathy 2 (SCAN2). Also called: Ataxia-ocular apraxia-2; Ataxia with Oculomotor Apraxia; Ataxia with Oculomotor Apraxia Type 2; ATAXIA-OCULOMOTOR APRAXIA 2. Identifiers: Orphanet 64753, MedGen C1853761, MONDO:0018996, OMIM 606002.
Hereditary spastic paraplegia. Also called: Familial spastic paraparesis. Identifiers: Orphanet 685, MedGen C0037773, MONDO:0019064. Disease mechanism: loss of function.

Allele frequency attached by ClinVar (database versions not stated): gnomAD exomes 0.00059 and 0.00149; ExAC 0.00173; gnomAD 0.00594 and 0.00653; TOPMed 0.00720; ESP Exome Variant Server 0.00746; 1000 Genomes Project 30x 0.00547; 1000 Genomes Project 0.00559.
gnomAD v4.1: 1,808 of 1,613,660 alleles (0.11%); highest among the groups gnomAD compares: African/African-American, 2.1%; 16 homozygotes.

Submissions (9):

Labcorp Genetics (formerly Invitae), Labcorp
Classification: Benign for Amyotrophic lateral sclerosis type 4; Spinocerebellar ataxia, autosomal recessive, with axonal neuropathy 2. Last evaluated: 2026-01-19. Review status: criteria provided, single submitter. Criteria: Invitae Variant Classification Sherloc (09022015). Collection method: clinical testing. Allele origin: germline.

CeGaT Center for Human Genetics Tuebingen
Classification: Benign. Last evaluated: 2025-09-01. Review status: criteria provided, single submitter. Criteria: CeGaT Center For Human Genetics Tuebingen Variant Classification Criteria Version 2. Collection method: clinical testing. Allele origin: germline. Affected: yes. Observed: 3 variant alleles.
Comment: SETX: BP4, BS1, BS2

ARUP Laboratories, Molecular Genetics and Genomics, ARUP Laboratories
Classification: Likely benign. Last evaluated: 2023-10-16. Review status: criteria provided, single submitter. Criteria: ARUP Molecular Germline Variant Investigation Process 2024. Collection method: clinical testing. Allele origin: germline.

Genome-Nilou Lab
Classification: Likely benign for Spinocerebellar ataxia, autosomal recessive, with axonal neuropathy 2. Last evaluated: 2023-02-08. Review status: criteria provided, single submitter. Criteria: ACMG Guidelines, 2015. Collection method: clinical testing. Allele origin: germline.

Genome-Nilou Lab
Classification: Likely benign for Amyotrophic lateral sclerosis type 4. Last evaluated: 2023-02-08. Review status: criteria provided, single submitter. Criteria: ACMG Guidelines, 2015. Collection method: clinical testing. Allele origin: germline.

Mayo Clinic Laboratories, Mayo Clinic
Classification: Benign. Last evaluated: 2018-01-11. Review status: criteria provided, single submitter. Criteria: ACMG Guidelines, 2015. Collection method: clinical testing. Allele origin: germline. Observed: 12 variant alleles.

Genome Diagnostics Laboratory, The Hospital for Sick Children
Classification: Likely benign for Hereditary spastic paraplegia. Last evaluated: 2016-12-12. Review status: criteria provided, single submitter. Criteria: ACMG Guidelines, 2015. Collection method: clinical testing. Allele origin: germline. Affected: yes.

GeneDx
Classification: Benign. Last evaluated: 2015-03-03. Review status: criteria provided, single submitter. Criteria: GeneDx Variant Classification Process June 2021. Collection method: clinical testing. Allele origin: germline. Affected: yes.
Comment: This variant is associated with the following publications: (PMID: 17096168, 23129421, 20981092, 25133958, 22995991)

Breakthrough Genomics
Classification: Likely benign. Review status: criteria provided, single submitter. Criteria: ACMG Guidelines, 2015. Collection method: not provided. Allele origin: germline. Inheritance: Autosomal recessive inheritance. Affected: yes.

NM_015046.7(SETX):c.1957C>A (p.Gln653Lys)

Gene: SETX (senataxin; minus strand). Cytogenetic location: 9q34.13.
Variant type: single nucleotide variant.
Coding change: c.1957C>A on transcript NM_015046.7 (MANE Select); coding-DNA position 1957, C replaced by A.
Protein change: p.Gln653Lys; replaces glutamine 653 with lysine.
Molecular consequence: missense variant.
Genome position (GRCh38, 1-based): chr9:132,329,641, G>T on the plus strand (C>A on the coding strand, the complement: SETX is on the minus strand). VCF-style: chr9-132329641-G-T. GRCh37 (hg19) VCF-style: chr9-135205028-G-T.
Other names: c.1957C>A, p.Gln653Lys (NM_001351527.2, NM_001351528.2); short protein forms Q653K.
Identifiers: ClinVar variation 446181 (VCV000446181.49), dbSNP rs116333061, ClinGen allele CA027112.